The following is an entry in ClinVar:

ClinVar aggregate classification (germline): Pathogenic. Review status: criteria provided, multiple submitters, no conflicts (2 of 4 stars). 6 submissions from 5 submitters: Pathogenic (6). Last evaluated 2024-10-22.

Conditions:
Autosomal recessive multiple pterygium syndrome. Also called: MULTIPLE PTERYGIUM SYNDROME, ESCOBAR VARIANT; PTERYGIUM COLLI SYNDROME; PTERYGIUM SYNDROME; PTERYGIUM UNIVERSALE. Identifiers: Orphanet 2990, MedGen C0265261, MONDO:0009926, OMIM 265000.
Lethal multiple pterygium syndrome (LMPS). Identifiers: Orphanet 33108, MedGen C1854678, MONDO:0009668, OMIM 253290.
CHRNG-related disorder. Also called: CHRNG-related condition; CHRNG-related disorders.

Allele frequency attached by ClinVar (database versions not stated): ExAC 0.00001; gnomAD exomes 0.00002 and 0.00012; gnomAD 0.00003 and 0.00004; TOPMed 0.00004; ESP Exome Variant Server 0.00008.

Submissions (6):

Blueprint Genetics
Classification: Pathogenic for CHRNG-related disorders. Last evaluated: 2024-10-22. Review status: criteria provided, single submitter. Criteria: ACMG Guidelines, 2015. Collection method: clinical testing. Allele origin: germline. Affected: yes. Observed: 2 variant alleles.

Fulgent Genetics
Classification: Pathogenic for Lethal multiple pterygium syndrome; Autosomal recessive multiple pterygium syndrome. Last evaluated: 2024-04-29. Review status: criteria provided, single submitter. Criteria: ACMG Guidelines, 2015. Collection method: clinical testing. Allele origin: germline.

Labcorp Genetics (formerly Invitae), Labcorp
Classification: Pathogenic. Last evaluated: 2023-11-28. Review status: criteria provided, single submitter. Criteria: Invitae Variant Classification Sherloc (09022015). Collection method: clinical testing. Allele origin: germline.
Comment: This sequence change creates a premature translational stop signal (p.Ser133Profs*50) in the CHRNG gene. It is expected to result in an absent or disrupted protein product. Loss-of-function variants in CHRNG are known to be pathogenic (PMID: 16826520). This variant is present in population databases (rs780249576, gnomAD 0.004%). This premature translational stop signal has been observed in individual(s) with Escobar variant multiple pterygium syndrome (PMID: 22167768). ClinVar contains an entry for this variant (Variation ID: 431955). For these reasons, this variant has been classified as Pathogenic.

Baylor Genetics
Classification: Pathogenic for Lethal multiple pterygium syndrome. Last evaluated: 2022-09-09. Review status: criteria provided, single submitter. Criteria: ACMG Guidelines, 2015. Collection method: clinical testing. Allele origin: unknown.

Baylor Genetics
Classification: Pathogenic for Autosomal recessive multiple pterygium syndrome. Last evaluated: 2022-09-09. Review status: criteria provided, single submitter. Criteria: ACMG Guidelines, 2015. Collection method: clinical testing. Allele origin: unknown.

GeneDx
Classification: Pathogenic. Last evaluated: 2019-11-25. Review status: criteria provided, single submitter. Criteria: GeneDx Variant Classification Process June 2021. Collection method: clinical testing. Allele origin: germline. Affected: yes.
Comment: Frameshift variant predicted to result in protein truncation or nonsense mediated decay in a gene for which loss-of-function is a known mechanism of disease; Not observed at a significant frequency in large population cohorts (Lek et al., 2016); This variant is associated with the following publications: (PMID: 22167768)

Literature cited by the submitters: PubMed 16826520 (cited by Labcorp Genetics (formerly Invitae), Labcorp); PubMed 22167768 (cited by Labcorp Genetics (formerly Invitae), Labcorp).

NM_005199.5(CHRNG):c.397del (p.Ser133fs)

Gene: CHRNG (cholinergic receptor nicotinic gamma subunit; plus strand). Cytogenetic location: 2q37.1.
Variant type: Deletion.
Coding change: c.397del on transcript NM_005199.5 (MANE Select); coding-DNA position 397, one base deleted (T; older notation c.397delT).
Protein change: p.Ser133fs; shifts the reading frame from serine 133.
Molecular consequence: frameshift variant.
Genome position (GRCh38, 1-based): chr2:232,541,420, T deleted. VCF-style (leftmost placement, unchanged base first): chr2-232541419-GT-G. GRCh37 (hg19) VCF-style: chr2-233406129-GT-G.
Other names: c.397delT (NM_005199.4); short protein forms S133fs.
Identifiers: ClinVar variation 431955 (VCV000431955.15), dbSNP rs780249576, ClinGen allele CA2168651.